The following is an entry in ClinVar:

NM_001943.5(DSG2):c.2074A>G (p.Lys692Glu)

Genes: DSG2 (desmoglein 2; plus strand), DSG2-AS1 (DSG2 antisense RNA 1; minus strand). Cytogenetic location: 18q12.1.
Variant type: single nucleotide variant.
Coding change: c.2074A>G on transcript NM_001943.5 (MANE Select); coding-DNA position 2074, A replaced by G.
Protein change: p.Lys692Glu; replaces lysine 692 with glutamic acid.
Molecular consequence: missense variant.
Genome position (GRCh38, 1-based): chr18:31,542,592, A>G. VCF-style: chr18-31542592-A-G. GRCh37 (hg19) VCF-style: chr18-29122555-A-G.
Other names: c.2074A>G (LRG_397t1); short protein forms K692E.
Identifiers: ClinVar variation 449228 (VCV000449228.18), dbSNP rs997161591, ClinGen allele CA297700104.

ClinVar aggregate classification (germline): Uncertain significance. Review status: criteria provided, multiple submitters, no conflicts (2 of 4 stars). 5 submissions from 5 submitters: Uncertain significance (5). Last evaluated 2025-12-15.

Conditions:
Cardiovascular phenotype. Identifiers: MedGen CN230736.
Cardiomyopathy (CMYO). Also called: Cardiomyopathies. Identifiers: Orphanet 167848, MedGen C0878544, MONDO:0004994, HP:0001638. Inheritance: Various modes of inheritance.
Arrhythmogenic right ventricular cardiomyopathy (ARVD). Also called: Cardiomyopathy, ARVC; Arrhythmogenic right ventricular dysplasia; Arrhythmogenic cardiomyopathy; Arrhythmogenic Right Ventricular Cardiomyopathy (ARVC). Identifiers: Orphanet 247, MedGen C0349788, MeSH D019571, MONDO:0016587. Disease mechanism: loss of function. Inheritance: Various modes of inheritance.
Arrhythmogenic right ventricular dysplasia 10. Also called: Arrhythmogenic right ventricular dysplasia/cardiomyopathy, type 10; Arrhythmogenic Right Ventricular Dysplasia/Cardiomyopathy10; ARRHYTHMOGENIC RIGHT VENTRICULAR DYSPLASIA, FAMILIAL, 10. Identifiers: MedGen C1857777, MONDO:0012434, OMIM 610193.

Allele frequency attached by ClinVar (database versions not stated): gnomAD exomes below 0.00001; TOPMed below 0.00001; gnomAD 0.00001.
gnomAD v4.1: 9 of 1,614,020 alleles (0.00056%); highest among the groups gnomAD compares: South Asian, 0.0011%; no homozygotes.

Submissions (5):

Labcorp Genetics (formerly Invitae), Labcorp
Classification: Uncertain significance for Arrhythmogenic right ventricular dysplasia 10. Last evaluated: 2025-12-15. Review status: criteria provided, single submitter. Criteria: Invitae Variant Classification Sherloc (09022015). Collection method: clinical testing. Allele origin: germline.
Comment: This sequence change replaces lysine, which is basic and polar, with glutamic acid, which is acidic and polar, at codon 692 of the DSG2 protein (p.Lys692Glu). This variant is present in population databases (no rsID available, gnomAD 0.0009%). This variant has not been reported in the literature in individuals affected with DSG2-related conditions. ClinVar contains an entry for this variant (Variation ID: 449228). Invitae Evidence Modeling of protein sequence and biophysical properties (such as structural, functional, and spatial information, amino acid conservation, physicochemical variation, residue mobility, and thermodynamic stability) indicates that this missense variant is not expected to disrupt DSG2 protein function with a negative predictive value of 95%. In summary, the available evidence is currently insufficient to determine the role of this variant in disease. Therefore, it has been classified as a Variant of Uncertain Significance.

Ambry Genetics
Classification: Uncertain significance for Cardiovascular phenotype. Last evaluated: 2025-09-05. Review status: criteria provided, single submitter. Criteria: Ambry Variant Classification Scheme 2023. Collection method: clinical testing. Allele origin: germline.
Comment: The p.K692E variant (also known as c.2074A>G), located in coding exon 14 of the DSG2 gene, results from an A to G substitution at nucleotide position 2074. The lysine at codon 692 is replaced by glutamic acid, an amino acid with similar properties. This amino acid position is not well conserved in available vertebrate species. In addition, this alteration is predicted to be tolerated by in silico analysis. Based on the available evidence, the clinical significance of this variant remains unclear.

All of Us Research Program, National Institutes of Health
Classification: Uncertain significance for Arrhythmogenic right ventricular cardiomyopathy. Last evaluated: 2024-03-24. Review status: criteria provided, single submitter. Criteria: ACMG Guidelines, 2015. Collection method: clinical testing. Allele origin: germline. Inheritance: Autosomal dominant inheritance. Observed: 4 variant alleles, 4 heterozygotes.
Comment: This missense variant replaces lysine with glutamic acid at codon 692 of the DSG2 protein. Computational prediction suggests that this variant may not impact protein structure and function (internally defined REVEL score threshold <= 0.5, PMID: 27666373). Splice site prediction tools suggest that this variant may not impact RNA splicing. To our knowledge, functional studies have not been performed for this variant. This variant has not been reported in individuals affected with cardiovascular disorders in the literature. This variant has been identified in 1/249400 chromosomes in the general population by the Genome Aggregation Database (gnomAD). The available evidence is insufficient to determine the role of this variant in disease conclusively. Therefore, this variant is classified as a Variant of Uncertain Significance.

This study involves interpretation of variants in research participants for the purpose of population health screening. Participant phenotype was not available at the time of variant classification. Additional details can be found in publication PMID: 35346344, PMCID: PMC8962531

Color Diagnostics, LLC DBA Color Health
Classification: Uncertain significance for Cardiomyopathy. Last evaluated: 2024-03-06. Review status: criteria provided, single submitter. Criteria: ACMG Guidelines, 2015. Collection method: clinical testing. Allele origin: germline.
Comment: This missense variant replaces lysine with glutamic acid at codon 692 of the DSG2 protein. Computational prediction suggests that this variant may not impact protein structure and function (internally defined REVEL score threshold <= 0.5, PMID: 27666373). To our knowledge, functional studies have not been reported for this variant. This variant has not been reported in individuals affected with cardiovascular disorders in the literature. This variant has been identified in 1/249400 chromosomes in the general population by the Genome Aggregation Database (gnomAD). The available evidence is insufficient to determine the role of this variant in disease conclusively. Therefore, this variant is classified as a Variant of Uncertain Significance.

GeneDx
Classification: Uncertain significance. Last evaluated: 2017-07-31. Review status: criteria provided, single submitter. Criteria: GeneDx Variant Classification (06012015). Collection method: clinical testing. Allele origin: germline. Affected: yes.
Comment: A variant of uncertain significance has been identified in the DSG2 gene. The K692E variant has not been published as pathogenic or been reported as benign to our knowledge. This variant is not observed in large population cohorts (Lek et al., 2016; 1000 Genomes Consortium et al., 2015; Exome Variant Server). The K692E variant is a non-conservative amino acid substitution, which is likely to impact secondary protein structure as these residues differ in polarity, charge, size and/or other properties. However, this substitution occurs at a position that is not conserved across species and glutamic acid (E) is the wild-type residue at this position in at least two non-mammalian species. Finally, in silico analysis predicts this variant likely does not alter the protein structure/function.